The following is an entry in ClinVar:

NM_015346.4(ZFYVE26):c.3662T>A (p.Leu1221Gln)

Gene: ZFYVE26 (zinc finger FYVE-type containing 26; minus strand). Cytogenetic location: 14q24.1.
Variant type: single nucleotide variant.
Coding change: c.3662T>A on transcript NM_015346.4 (MANE Select); coding-DNA position 3662, T replaced by A.
Protein change: p.Leu1221Gln; replaces leucine 1221 with glutamine.
Molecular consequence: missense variant.
Genome position (GRCh38, 1-based): chr14:67,783,490, A>T on the plus strand (T>A on the coding strand, the complement: ZFYVE26 is on the minus strand). VCF-style: chr14-67783490-A-T. GRCh37 (hg19) VCF-style: chr14-68250207-A-T.
Other names: short protein forms L1221Q.
Identifiers: ClinVar variation 406176 (VCV000406176.11), dbSNP rs554371710, ClinGen allele CA7239931.

ClinVar aggregate classification (germline): Uncertain significance. Review status: criteria provided, multiple submitters, no conflicts (2 of 4 stars). 4 submissions from 4 submitters: Uncertain significance (4). Last evaluated 2025-01-09.

Conditions:
Inborn genetic diseases. Identifiers: MedGen C0950123, MeSH D030342.
Spastic paraplegia. Identifiers: MedGen C0037772, HP:0001258.

Allele frequency attached by ClinVar (database versions not stated): gnomAD exomes 0.00001 and 0.00002; ExAC 0.00002; gnomAD 0.00014 and 0.00015; 1000 Genomes Project 30x 0.00016; 1000 Genomes Project 0.00020; TOPMed 0.00035.
gnomAD v4.1: 43 of 1,613,776 alleles (0.0027%); highest among the groups gnomAD compares: Admixed American, 0.055%; no homozygotes.

Submissions (4):

Ambry Genetics
Classification: Uncertain significance for Inborn genetic diseases. Last evaluated: 2025-01-09. Review status: criteria provided, single submitter. Criteria: Ambry Variant Classification Scheme 2023. Collection method: clinical testing. Allele origin: germline.

Blueprint Genetics
Classification: Uncertain significance. Last evaluated: 2023-05-15. Review status: criteria provided, single submitter. Criteria: ACMG Guidelines, 2015. Collection method: clinical testing. Allele origin: germline.

Labcorp Genetics (formerly Invitae), Labcorp
Classification: Uncertain significance for Spastic paraplegia. Last evaluated: 2022-07-12. Review status: criteria provided, single submitter. Criteria: Invitae Variant Classification Sherloc (09022015). Collection method: clinical testing. Allele origin: germline.
Comment: This sequence change replaces leucine, which is neutral and non-polar, with glutamine, which is neutral and polar, at codon 1221 of the ZFYVE26 protein (p.Leu1221Gln). This variant is present in population databases (rs554371710, gnomAD 0.009%). This variant has not been reported in the literature in individuals affected with ZFYVE26-related conditions. ClinVar contains an entry for this variant (Variation ID: 406176). Algorithms developed to predict the effect of missense changes on protein structure and function are either unavailable or do not agree on the potential impact of this missense change (SIFT: "Deleterious"; PolyPhen-2: "Probably Damaging"; Align-GVGD: "Class C0"). In summary, the available evidence is currently insufficient to determine the role of this variant in disease. Therefore, it has been classified as a Variant of Uncertain Significance.

GeneDx
Classification: Uncertain significance. Last evaluated: 2022-01-18. Review status: criteria provided, single submitter. Criteria: GeneDx Variant Classification Process June 2021. Collection method: clinical testing. Allele origin: germline. Affected: yes.
Comment: Not observed at a significant frequency in large population cohorts (gnomAD); In silico analysis supports that this missense variant has a deleterious effect on protein structure/function; Has not been previously published as pathogenic or benign to our knowledge